The following is an entry in ClinVar:

ClinVar aggregate classification (germline): Likely benign (0 of 4 stars; one submission).

Conditions:
DCDC1-related disorder. Also called: DCDC1-related condition.

Allele frequency attached by ClinVar (database versions not stated): ExAC 0.00058; ESP Exome Variant Server 0.00135; 1000 Genomes Project 0.00180; gnomAD 0.00180; TOPMed 0.00203; 1000 Genomes Project 30x 0.00234.
gnomAD v4.1: 427 of 765,840 alleles (0.056%); highest among the groups gnomAD compares: African/African-American, 0.63%; no homozygotes.

Submission:

PreventionGenetics, part of Exact Sciences
Classification: Likely benign for DCDC1-related condition. Last evaluated: 2020-01-13. Review status: no assertion criteria provided. Collection method: clinical testing. Allele origin: germline.
Comment: This variant is classified as likely benign based on ACMG/AMP sequence variant interpretation guidelines (Richards et al. 2015 PMID: 25741868, with internal and published modifications).

NM_001387274.1(DCDC1):c.1616A>G (p.Gln539Arg)

Gene: DCDC1 (doublecortin domain containing 1; minus strand). Cytogenetic location: 11p13.
Variant type: single nucleotide variant.
Coding change: c.1616A>G on transcript NM_001387274.1 (MANE Select); coding-DNA position 1616, A replaced by G.
Protein change: p.Gln539Arg; replaces glutamine 539 with arginine.
Molecular consequence: missense variant. On other transcripts: non-coding transcript variant (1).
Genome position (GRCh38, 1-based): chr11:31,106,932, T>C on the plus strand (A>G on the coding strand, the complement: DCDC1 is on the minus strand). VCF-style: chr11-31106932-T-C. GRCh37 (hg19) VCF-style: chr11-31128479-T-C.
Other names: NM_001350255.1:c.473A>G; c.1616A>G, p.Gln539Arg (NM_001367979.1); short protein forms Q539R.
Identifiers: ClinVar variation 3051975 (VCV003051975.2), dbSNP rs116038359, ClinGen allele CA5932348.
Genomic context (GRCh38, chr11:31,106,932, plus strand): 5'-TTCTCATCAAAAAGCCGCATTGAAGAATAATTGAGGCCTGGTGGGTTGATGGAAGAACCT[T>C]GAAGCCTTTGATGAATCTTGAGAAGTAACTGGTTGGGGGTTAGAGGGGCAGAGGGGATAG-3'
Protein context (NP_001374203.1, residues 529-549): RLLLKIHQRL[Gln539Arg]GSSINPPGLN